The following is an entry in ClinVar:

NM_000051.4(ATM):c.8376G>A (p.Arg2792=)

Genes: ATM (ATM serine/threonine kinase; plus strand), C11orf65 (chromosome 11 open reading frame 65; minus strand). Cytogenetic location: 11q22.3.
Variant type: single nucleotide variant.
Coding change: c.8376G>A on transcript NM_000051.4 (MANE Select); coding-DNA position 8376, G replaced by A.
Protein change: p.Arg2792=; no amino-acid change (arginine 2792 retained).
Molecular consequence: synonymous variant. On other transcripts: intron variant (2).
Genome position (GRCh38, 1-based): chr11:108,343,329, G>A. VCF-style: chr11-108343329-G-A. GRCh37 (hg19) VCF-style: chr11-108214056-G-A.
Other names: c.8376G>A, p.Arg2792= (NM_001351834.2); c.641-34258C>T (NM_001330368.2); c.695-8037C>T (NM_001351110.2).
Identifiers: ClinVar variation 3253909 (VCV003253909.1), dbSNP rs2136950175.

ClinVar aggregate classification (germline): Benign (1 of 4 stars; one submission).

Conditions:
Familial cancer of breast. Also called: hereditary breast carcinoma; BREAST CANCER, FAMILIAL; Hereditary breast cancer. Identifiers: Orphanet 227535, MedGen C0346153, MONDO:0016419, OMIM 114480. Disease mechanism: loss of function.

Submission:

Myriad Genetics, Inc.
Classification: Benign for Familial cancer of breast. Last evaluated: 2024-06-19. Review status: criteria provided, single submitter. Criteria: Myriad Autosomal Dominant, Autosomal Recessive and X-Linked Classification Criteria (2023). Collection method: clinical testing. Allele origin: unknown.
Comment: This variant is considered benign. This variant is a silent/synonymous amino acid change and it is not expected to impact splicing.